The following is an entry in ClinVar:

NM_182914.3(SYNE2):c.7643+9A>G

Gene: SYNE2 (spectrin repeat containing nuclear envelope protein 2; plus strand). Cytogenetic location: 14q23.2.
Variant type: single nucleotide variant.
Coding change: c.7643+9A>G on transcript NM_182914.3 (MANE Select); 9 bases into the intron after coding-DNA position 7643, A replaced by G.
Molecular consequence: intron variant.
Genome position (GRCh38, 1-based): chr14:64,049,885, A>G. VCF-style: chr14-64049885-A-G. GRCh37 (hg19) VCF-style: chr14-64516603-A-G.
Other names: c.7643+9A>G (NM_015180.6).
Identifiers: ClinVar variation 313533 (VCV000313533.14), dbSNP rs115809466, ClinGen allele CA7220979.

ClinVar aggregate classification (germline): Benign. Review status: criteria provided, multiple submitters, no conflicts (2 of 4 stars). 2 submissions from 2 submitters: Benign (2). Last evaluated 2026-01-26.

Conditions:
Emery-Dreifuss muscular dystrophy 5, autosomal dominant (EDMD5). Also called: EMERY-DREIFUSS MUSCULAR DYSTROPHY 5. Identifiers: Orphanet 261, MedGen C2751805, MONDO:0013072, OMIM 612999.

Allele frequency attached by ClinVar (database versions not stated): gnomAD exomes 0.00051 and 0.00137; ExAC 0.00186; gnomAD 0.00553 and 0.00602; ESP Exome Variant Server 0.00581; 1000 Genomes Project 0.00599; TOPMed 0.00625; 1000 Genomes Project 30x 0.00718.
gnomAD v4.1: 1,625 of 1,613,578 alleles (0.1%); highest among the groups gnomAD compares: African/African-American, 1.9%; 18 homozygotes.

Submissions (2):

Labcorp Genetics (formerly Invitae), Labcorp
Classification: Benign for Emery-Dreifuss muscular dystrophy 5, autosomal dominant. Last evaluated: 2026-01-26. Review status: criteria provided, single submitter. Criteria: Invitae Variant Classification Sherloc (09022015). Collection method: clinical testing. Allele origin: germline.

Illumina Laboratory Services, Illumina
Classification: Benign for Emery-Dreifuss muscular dystrophy 5, autosomal dominant. Last evaluated: 2018-01-13. Review status: criteria provided, single submitter. Criteria: ICSL Variant Classification Criteria 13 December 2019. Collection method: clinical testing. Allele origin: germline.
Comment: This variant was observed in the ICSL laboratory as part of a predisposition screen in an ostensibly healthy population. It had not been previously curated by ICSL or reported in the Human Gene Mutation Database (HGMD: prior to June 1st, 2018), and was therefore a candidate for classification through an automated scoring system. Utilizing variant allele frequency, disease prevalence and penetrance estimates, and inheritance mode, an automated score was calculated to assess if this variant is too frequent to cause the disease. Based on the score and internal cut-off values, a variant classified as benign is not then subjected to further curation. The score for this variant resulted in a classification of benign for this disease.